The following is an entry in ClinVar:

ClinVar aggregate classification (germline): Conflicting classifications of pathogenicity. Review status: criteria provided, conflicting classifications (1 of 4 stars). 2 submissions from 2 submitters: Uncertain significance (1); Likely benign (1). Last evaluated 2024-08-15.

Conditions:
Gorlin syndrome. Also called: Basal cell nevus syndrome; Nevoid Basal Cell Carcinoma Syndrome. Identifiers: Orphanet 377, MedGen C0004779, MONDO:0007187.
Hereditary cancer-predisposing syndrome. Also called: Hereditary Cancer Syndrome; Tumor predisposition; Neoplastic Syndromes, Hereditary; Hereditary neoplastic syndrome. Identifiers: Orphanet 140162, MedGen C0027672, MeSH D009386, MONDO:0015356.

gnomAD v4.1: 1 of 1,613,082 alleles (0.000062%); highest among the groups gnomAD compares: Admixed American, 0.0017%; no homozygotes.

Submissions (2):

Ambry Genetics
Classification: Uncertain significance for Hereditary cancer-predisposing syndrome. Last evaluated: 2024-08-15. Review status: criteria provided, single submitter. Criteria: Ambry Variant Classification Scheme 2023. Collection method: clinical testing. Allele origin: germline.
Comment: The p.R80K variant (also known as c.239G>A), located in coding exon 2 of the PTCH1 gene, results from a G to A substitution at nucleotide position 239. The arginine at codon 80 is replaced by lysine, an amino acid with highly similar properties. This amino acid position is highly conserved in available vertebrate species. In addition, this alteration is predicted to be deleterious by in silico analysis. Based on the available evidence, the clinical significance of this variant remains unclear.

Labcorp Genetics (formerly Invitae), Labcorp
Classification: Likely benign for Gorlin syndrome. Last evaluated: 2024-04-30. Review status: criteria provided, single submitter. Criteria: Invitae Variant Classification Sherloc (09022015). Collection method: clinical testing. Allele origin: germline.

NM_000264.5(PTCH1):c.239G>A (p.Arg80Lys)

Gene: PTCH1 (patched 1; minus strand). Cytogenetic location: 9q22.32.
Variant type: single nucleotide variant.
Coding change: c.239G>A on transcript NM_000264.5 (MANE Select); coding-DNA position 239, G replaced by A.
Protein change: p.Arg80Lys; replaces arginine 80 with lysine.
Molecular consequence: missense variant. On other transcripts: 5 prime UTR variant (4), non-coding transcript variant (1).
Genome position (GRCh38, 1-based): chr9:95,506,562, C>T on the plus strand (G>A on the coding strand, the complement: PTCH1 is on the minus strand). VCF-style: chr9-95506562-C-T. GRCh37 (hg19) VCF-style: chr9-98268844-C-T.
Other names: c.41G>A, p.Arg14Lys (NM_001083602.3, NM_001354919.2); c.236G>A, p.Arg79Lys (NM_001083603.3); c.-215G>A (NM_001083604.3, NM_001083605.3, NM_001083606.3 and 1 more transcripts); c.239G>A, p.Arg80Lys (NM_001354918.2); short protein forms R14K, R79K, R80K.
Identifiers: ClinVar variation 2904010 (VCV002904010.4), dbSNP rs1192030415, ClinGen allele CA374120608.